The following is an entry in ClinVar:

NM_001382391.1(CSPP1):c.99+5A>G

Gene: CSPP1 (centrosome and spindle pole associated protein 1; plus strand). Cytogenetic location: 8q13.1.
Variant type: single nucleotide variant.
Coding change: c.99+5A>G on transcript NM_001382391.1 (MANE Select); 5 bases into the intron after coding-DNA position 99, A replaced by G.
Molecular consequence: intron variant.
Genome position (GRCh38, 1-based): chr8:67,074,356, A>G. VCF-style: chr8-67074356-A-G. GRCh37 (hg19) VCF-style: chr8-67986591-A-G.
Other names: c.207+5A>G (NM_001438331.1, NM_001438330.1, NM_001364870.1 and 3 more transcripts); c.99+5A>G (NM_001363132.2, NM_001363131.2, NM_001363133.2).
Identifiers: ClinVar variation 2164931 (VCV002164931.2), dbSNP rs1181143579, ClinGen allele CA582510818.

ClinVar aggregate classification (germline): Uncertain significance (1 of 4 stars; one submission).

Conditions:
Joubert syndrome 21 (JBTS21). Identifiers: MedGen C3810212, MONDO:0014288, OMIM 615636.

Allele frequency attached by ClinVar (database versions not stated): gnomAD exomes below 0.00001.
gnomAD v4.1: 5 of 1,541,466 alleles (0.00032%); highest among the groups gnomAD compares: Middle Eastern, 0.035%; no homozygotes.

Submission:

Labcorp Genetics (formerly Invitae), Labcorp
Classification: Uncertain significance for Joubert syndrome 21. Last evaluated: 2022-07-25. Review status: criteria provided, single submitter. Criteria: Invitae Variant Classification Sherloc (09022015). Collection method: clinical testing. Allele origin: germline.
Comment: In summary, the available evidence is currently insufficient to determine the role of this variant in disease. Therefore, it has been classified as a Variant of Uncertain Significance. Variants that disrupt the consensus splice site are a relatively common cause of aberrant splicing (PMID: 17576681, 9536098). Algorithms developed to predict the effect of sequence changes on RNA splicing suggest that this variant is not likely to affect RNA splicing. This variant has not been reported in the literature in individuals affected with CSPP1-related conditions. This variant is not present in population databases (gnomAD no frequency). This sequence change falls in intron 2 of the CSPP1 gene. It does not directly change the encoded amino acid sequence of the CSPP1 protein. It affects a nucleotide within the consensus splice site.

Literature cited by the submitters: PubMed 17576681; PubMed 9536098.